The following is an entry in ClinVar:

NM_001128840.3(CACNA1D):c.5677G>T (p.Asp1893Tyr)

Gene: CACNA1D (calcium voltage-gated channel subunit alpha1 D; plus strand). Cytogenetic location: 3p21.1.
Variant type: single nucleotide variant.
Coding change: c.5677G>T on transcript NM_001128840.3 (MANE Select); coding-DNA position 5677, G replaced by T.
Protein change: p.Asp1893Tyr; replaces aspartic acid 1893 with tyrosine.
Molecular consequence: missense variant.
Genome position (GRCh38, 1-based): chr3:53,805,074, G>T. VCF-style: chr3-53805074-G-T. GRCh37 (hg19) VCF-style: chr3-53839101-G-T.
Other names: c.5737G>T, p.Asp1913Tyr (NM_000720.4); c.5605G>T, p.Asp1869Tyr (NM_001128839.3); short protein forms D1913Y, D1869Y, D1893Y.
Identifiers: ClinVar variation 2832024 (VCV002832024.3), dbSNP rs1445682844, ClinGen allele CA353254684.
Genomic context (GRCh38, chr3:53,805,074, plus strand): 5'-GGCAGAAACATCGACTCTGAGAGGCCCCGAGGCTACCATCATCCCCAAGGATTCTTGGAG[G>T]ACGATGACTCGCCCGTTTGCTATGATTCACGGAGATCTCCAAGGAGACGCCTACTACCTC-3'
Protein context (NP_001122312.1, residues 1883-1903): GYHHPQGFLE[Asp1893Tyr]DDSPVCYDSR

ClinVar aggregate classification (germline): Uncertain significance (1 of 4 stars; one submission).

Allele frequency attached by ClinVar (database versions not stated): TOPMed below 0.00001.

Submission:

Labcorp Genetics (formerly Invitae), Labcorp
Classification: Uncertain significance. Last evaluated: 2023-01-26. Review status: criteria provided, single submitter. Criteria: Invitae Variant Classification Sherloc (09022015). Collection method: clinical testing. Allele origin: germline.
Comment: In summary, the available evidence is currently insufficient to determine the role of this variant in disease. Therefore, it has been classified as a Variant of Uncertain Significance. Algorithms developed to predict the effect of missense changes on protein structure and function are either unavailable or do not agree on the potential impact of this missense change (SIFT: "Deleterious"; PolyPhen-2: "Possibly Damaging"; Align-GVGD: "Class C0"). This variant has not been reported in the literature in individuals affected with CACNA1D-related conditions. This variant is not present in population databases (gnomAD no frequency). This sequence change replaces aspartic acid, which is acidic and polar, with tyrosine, which is neutral and polar, at codon 1913 of the CACNA1D protein (p.Asp1913Tyr).